The following is an entry in ClinVar:

NM_001130144.3(LTBP3):c.2893+1G>T

Gene: LTBP3 (latent transforming growth factor beta binding protein 3; minus strand). Cytogenetic location: 11q13.1.
Variant type: single nucleotide variant.
Coding change: c.2893+1G>T on transcript NM_001130144.3 (MANE Select); the canonical splice donor site of the intron after coding-DNA position 2893, G replaced by T.
Molecular consequence: splice donor variant.
Genome position (GRCh38, 1-based): chr11:65,541,125, C>A on the plus strand (G>T on the coding strand, the complement: LTBP3 is on the minus strand). VCF-style: chr11-65541125-C-A. GRCh37 (hg19) VCF-style: chr11-65308596-C-A.
Other names: c.2542+1G>T (NM_001164266.1); c.2893+1G>T (NM_021070.4).
Identifiers: ClinVar variation 1067470 (VCV001067470.13), dbSNP rs2135125210, ClinGen allele CA381268153.

ClinVar aggregate classification (germline): Likely pathogenic (1 of 4 stars; one submission).

Conditions:
Brachyolmia-amelogenesis imperfecta syndrome. Also called: Tooth agenesis, selective, 6; Dental anomalies and short stature; PLATYSPONDYLY WITH AMELOGENESIS IMPERFECTA. Identifiers: Orphanet 2899, MedGen C1832594, MONDO:0011018, OMIM 601216. Disease mechanism: loss of function.
Geleophysic dysplasia 3. Identifiers: MedGen C4540511, MONDO:0054722, OMIM 617809.

gnomAD v4.1: 1 of 1,612,742 alleles (0.000062%); highest among the groups gnomAD compares: Non-Finnish European, 0.000085%; no homozygotes.

Submission:

Labcorp Genetics (formerly Invitae), Labcorp
Classification: Likely pathogenic for Brachyolmia-amelogenesis imperfecta syndrome. Last evaluated: 2022-06-20. Review status: criteria provided, single submitter. Criteria: Invitae Variant Classification Sherloc (09022015). Collection method: clinical testing. Allele origin: germline.
Comment: This variant has not been reported in the literature in individuals affected with LTBP3-related conditions. ClinVar contains an entry for this variant (Variation ID: 1067470). Algorithms developed to predict the effect of sequence changes on RNA splicing suggest that this variant may disrupt the consensus splice site. This sequence change affects a donor splice site in intron 20 of the LTBP3 gene. It is expected to disrupt RNA splicing. Variants that disrupt the donor or acceptor splice site typically lead to a loss of protein function (PMID: 16199547), and loss-of-function variants in LTBP3 are known to be pathogenic (PMID: 11790802, 19344874, 25669657). This variant is not present in population databases (gnomAD no frequency). In summary, the currently available evidence indicates that the variant is pathogenic, but additional data are needed to prove that conclusively. Therefore, this variant has been classified as Likely Pathogenic.

Literature cited by the submitters: PubMed 16199547 (cited by Labcorp Genetics (formerly Invitae), Labcorp); PubMed 11790802 (cited by Labcorp Genetics (formerly Invitae), Labcorp); PubMed 19344874 (cited by Labcorp Genetics (formerly Invitae), Labcorp); PubMed 25669657 (cited by Labcorp Genetics (formerly Invitae), Labcorp).